The following is an entry in ClinVar:

ClinVar aggregate classification (germline): Uncertain significance. Review status: criteria provided, multiple submitters, no conflicts (2 of 4 stars). 2 submissions from 2 submitters: Uncertain significance (2). Last evaluated 2024-11-28.

Conditions:
Inborn genetic diseases. Identifiers: MedGen C0950123, MeSH D030342.
Baller-Gerold syndrome (BGS). Also called: CRANIOSYNOSTOSIS WITH RADIAL DEFECTS. Identifiers: Orphanet 1225, MedGen C0265308, MONDO:0009039, OMIM 218600.

Allele frequency attached by ClinVar (database versions not stated): gnomAD exomes below 0.00001; ExAC 0.00001; gnomAD 0.00001; TOPMed 0.00001.
gnomAD v4.1: 4 of 1,612,416 alleles (0.00025%); highest among the groups gnomAD compares: African/African-American, 0.0053%; no homozygotes.

Submissions (2):

Ambry Genetics
Classification: Uncertain significance for Inborn genetic diseases. Last evaluated: 2024-11-28. Review status: criteria provided, single submitter. Criteria: Ambry Variant Classification Scheme 2023. Collection method: clinical testing. Allele origin: germline.
Comment: The p.A346T variant (also known as c.1036G>A), located in coding exon 5 of the RECQL4 gene, results from a G to A substitution at nucleotide position 1036. The alanine at codon 346 is replaced by threonine, an amino acid with similar properties. This amino acid position is conserved. In addition, this alteration is predicted to be tolerated by in silico analysis. Based on the available evidence, the clinical significance of this variant remains unclear.

Labcorp Genetics (formerly Invitae), Labcorp
Classification: Uncertain significance for Baller-Gerold syndrome. Last evaluated: 2023-02-09. Review status: criteria provided, single submitter. Criteria: Invitae Variant Classification Sherloc (09022015). Collection method: clinical testing. Allele origin: germline.
Comment: In summary, the available evidence is currently insufficient to determine the role of this variant in disease. Therefore, it has been classified as a Variant of Uncertain Significance. Advanced modeling of protein sequence and biophysical properties (such as structural, functional, and spatial information, amino acid conservation, physicochemical variation, residue mobility, and thermodynamic stability) performed at Invitae indicates that this missense variant is not expected to disrupt RECQL4 protein function. ClinVar contains an entry for this variant (Variation ID: 858641). This variant has not been reported in the literature in individuals affected with RECQL4-related conditions. This variant is present in population databases (rs770798229, gnomAD 0.007%). This sequence change replaces alanine, which is neutral and non-polar, with threonine, which is neutral and polar, at codon 346 of the RECQL4 protein (p.Ala346Thr).

NM_004260.4(RECQL4):c.1036G>A (p.Ala346Thr)

Gene: RECQL4 (RecQ like helicase 4; minus strand). Cytogenetic location: 8q24.3.
Variant type: single nucleotide variant.
Coding change: c.1036G>A on transcript NM_004260.4 (MANE Select); coding-DNA position 1036, G replaced by A.
Protein change: p.Ala346Thr; replaces alanine 346 with threonine.
Molecular consequence: missense variant.
Genome position (GRCh38, 1-based): chr8:144,516,083, C>T on the plus strand (G>A on the coding strand, the complement: RECQL4 is on the minus strand). VCF-style: chr8-144516083-C-T. GRCh37 (hg19) VCF-style: chr8-145741467-C-T.
Other names: short protein forms A346T.
Identifiers: ClinVar variation 858641 (VCV000858641.5), dbSNP rs770798229, ClinGen allele CA4949105.